The following is an entry in ClinVar:

ClinVar aggregate classification (germline): Likely benign (1 of 4 stars; one submission).

gnomAD v4.1: 245 of 1,613,962 alleles (0.015%); highest among the groups gnomAD compares: South Asian, 0.031%; no homozygotes.

Submission:

Mayo Clinic Laboratories, Mayo Clinic
Classification: Likely benign. Last evaluated: 2025-04-08. Review status: criteria provided, single submitter. Criteria: ACMG Guidelines, 2015. Collection method: clinical testing. Allele origin: germline. Observed: 1 variant allele.
Comment: BP4, BP7

NM_007098.4(CLTCL1):c.1254C>T (p.Phe418=)

Genes: CLTCL1 (clathrin heavy chain like 1; minus strand), LOC126863097 (BRD4-independent group 4 enhancer GRCh37_chr22:19220751-19221950; plus strand). Cytogenetic location: 22q11.21.
Variant type: single nucleotide variant.
Coding change: c.1254C>T on transcript NM_007098.4 (MANE Select); coding-DNA position 1254, C replaced by T.
Protein change: p.Phe418=; no amino-acid change (phenylalanine 418 retained).
Molecular consequence: synonymous variant.
Genome position (GRCh38, 1-based): chr22:19,233,536, G>A on the plus strand (C>T on the coding strand, the complement: CLTCL1 is on the minus strand). VCF-style: chr22-19233536-G-A. GRCh37 (hg19) VCF-style: chr22-19221059-G-A.
Other names: p.Phe418=; c.1254C>T, p.Phe418= (NM_001835.4).
Identifiers: ClinVar variation 4684460 (VCV004684460.1).
Genomic context (GRCh38, chr22:19,233,536, plus strand): 5'-CAGATGGCAAAGTTCTAAGGATTCAAGTTTATTGAGCTGACCCTGGTCGAGCAGGATTCC[G>A]AAGTACTGCAGCAATGGAGAAGCCTGGCCAGACTGAGCGGGTATACTCTGGAATTTCTGG-3'
Protein context (NP_009029.3, residues 408-428): SGQASPLLQY[Phe418=]GILLDQGQLN